The following is an entry in ClinVar:

NM_001369.3(DNAH5):c.10472C>T (p.Thr3491Met)

Gene: DNAH5 (dynein axonemal heavy chain 5; minus strand). Cytogenetic location: 5p15.2.
Variant type: single nucleotide variant.
Coding change: c.10472C>T on transcript NM_001369.3 (MANE Select); coding-DNA position 10472, C replaced by T.
Protein change: p.Thr3491Met; replaces threonine 3491 with methionine.
Molecular consequence: missense variant.
Genome position (GRCh38, 1-based): chr5:13,754,286, G>A on the plus strand (C>T on the coding strand, the complement: DNAH5 is on the minus strand). VCF-style: chr5-13754286-G-A. GRCh37 (hg19) VCF-style: chr5-13754395-G-A.
Other names: short protein forms T3491M.
Identifiers: ClinVar variation 938931 (VCV000938931.13), dbSNP rs760010021, ClinGen allele CA3202217.
Genomic context (GRCh38, chr5:13,754,286, plus strand): 5'-GCAAACTCTTGGCTTTGCTCTGTCCATCTTTCTTTTTCACCTGCCAAGCCACTGATGAGC[G>A]TGGAAGCTGTCTGCATCTTGTGTCTGCATCGCTCTGCATCTTCAAGCAAGGTCTAACAAA-3'
Protein context (NP_001360.1, residues 3481-3501): RCRHKMQTAS[Thr3491Met]LISGLAGEKE

ClinVar aggregate classification (germline): Conflicting classifications of pathogenicity. Review status: criteria provided, conflicting classifications (1 of 4 stars). 4 submissions from 4 submitters: Uncertain significance (2); Likely benign (1). 1 of the submissions does not count toward it. Last evaluated 2026-04-23.

Conditions:
DNAH5-related disorder. Also called: DNAH5-related condition.
Primary ciliary dyskinesia. Also called: Ciliary dyskinesia. Identifiers: Orphanet 244, MedGen C0008780, MONDO:0016575, HP:0012265.

Allele frequency attached by ClinVar (database versions not stated): gnomAD exomes 0.00002 and 0.00004; TOPMed 0.00003; ExAC 0.00004; gnomAD 0.00005.
gnomAD v4.1: 39 of 1,613,966 alleles (0.0024%); highest among the groups gnomAD compares: South Asian, 0.0055%; no homozygotes.

Submissions (4):

Ambry Genetics
Classification: Uncertain significance for Primary ciliary dyskinesia. Last evaluated: 2026-04-23. Review status: criteria provided, single submitter. Criteria: Ambry Variant Classification Scheme 2023. Collection method: clinical testing. Allele origin: germline.

PreventionGenetics, part of Exact Sciences
Classification: Uncertain significance for DNAH5-related condition. Last evaluated: 2025-03-19. Review status: criteria provided, single submitter. Criteria: ACMG Guidelines, 2015. Collection method: clinical testing. Allele origin: germline.
Comment: The DNAH5 c.10472C>T variant is predicted to result in the amino acid substitution p.Thr3491Met. To our knowledge, this variant has not been reported in the literature. This variant is reported in 0.012% of alleles in individuals of African descent in gnomAD. At this time, the clinical significance of this variant is uncertain due to the absence of conclusive functional and genetic evidence.

Labcorp Genetics (formerly Invitae), Labcorp
Classification: Likely benign for Primary ciliary dyskinesia. Last evaluated: 2024-11-04. Review status: criteria provided, single submitter. Criteria: Invitae Variant Classification Sherloc (09022015). Collection method: clinical testing. Allele origin: germline.

Natera, Inc.
Classification: Uncertain significance for Primary ciliary dyskinesia. Last evaluated: 2020-02-26. Review status: no assertion criteria provided. Collection method: clinical testing. Allele origin: germline. Not counted in ClinVar's aggregate classification.